The following is an entry in ClinVar:

ClinVar aggregate classification (germline): Benign/Likely benign. Review status: criteria provided, multiple submitters, no conflicts (2 of 4 stars). 21 submissions from 20 submitters: Benign (9); Likely benign (6). 6 of the submissions do not count toward it. Last evaluated 2026-08-01.

Conditions:
Qualitative or quantitative defects of delta-sarcoglycan. Identifiers: Orphanet 207070, MedGen C5680806, MONDO:0016144.
Cardiomyopathy (CMYO). Also called: Cardiomyopathies. Identifiers: Orphanet 167848, MedGen C0878544, MONDO:0004994, HP:0001638. Inheritance: Various modes of inheritance.
Dilated cardiomyopathy 1L (CMD1L). Identifiers: Orphanet 154, MedGen C1847667, MONDO:0011702, OMIM 606685.
Autosomal recessive limb-girdle muscular dystrophy type 2F (LGMDR6). Also called: MUSCULAR DYSTROPHY, LIMB-GIRDLE, AUTOSOMAL RECESSIVE 6; Muscular dystrophy limb-girdle with delta-sarcoglyan deficiency. Identifiers: Orphanet 219, MedGen C1832525, MONDO:0011028, OMIM 601287. Disease mechanism: Affects gamma-sarcoglycan and also disrupts the integrity of the entire sarcoglycan complex..

Allele frequency attached by ClinVar (database versions not stated): ESP Exome Variant Server 0.00654; gnomAD exomes 0.00675 and 0.00663; 1000 Genomes Project 30x 0.00297; gnomAD 0.00640 and 0.00606; 1000 Genomes Project 0.00280; TOPMed 0.00504; ExAC 0.00673.
gnomAD v4.1: 9,974 of 1,505,194 alleles (0.66%); highest among the groups gnomAD compares: Non-Finnish European, 0.71%; 44 homozygotes.

Submissions (21):

CeGaT Center for Human Genetics Tuebingen
Classification: Likely benign. Last evaluated: 2026-08-01. Review status: criteria provided, single submitter. Criteria: CeGaT Center For Human Genetics Tuebingen Variant Classification Criteria Version 2. Collection method: clinical testing. Allele origin: germline. Affected: yes. Observed: 17 variant alleles.
Comment: SGCD: BP4, BS2

Labcorp Genetics (formerly Invitae), Labcorp
Classification: Benign for Autosomal recessive limb-girdle muscular dystrophy type 2F. Last evaluated: 2026-02-03. Review status: criteria provided, single submitter. Criteria: Invitae Variant Classification Sherloc (09022015). Collection method: clinical testing. Allele origin: germline.

Blueprint Genetics
Classification: Likely benign. Last evaluated: 2024-11-26. Review status: criteria provided, single submitter. Criteria: ACMG Guidelines, 2015. Collection method: clinical testing. Allele origin: germline.

Athena Diagnostics
Classification: Benign. Last evaluated: 2024-09-30. Review status: criteria provided, single submitter. Criteria: Athena Diagnostics Criteria. Collection method: clinical testing. Allele origin: unknown.

Genome-Nilou Lab
Classification: Likely benign for Autosomal recessive limb-girdle muscular dystrophy type 2F. Last evaluated: 2023-02-08. Review status: criteria provided, single submitter. Criteria: ACMG Guidelines, 2015. Collection method: clinical testing. Allele origin: germline.

Genome-Nilou Lab
Classification: Likely benign for Dilated cardiomyopathy 1L. Last evaluated: 2023-02-08. Review status: criteria provided, single submitter. Criteria: ACMG Guidelines, 2015. Collection method: clinical testing. Allele origin: germline.

Mayo Clinic Laboratories, Mayo Clinic
Classification: Benign. Last evaluated: 2022-10-26. Review status: criteria provided, single submitter. Criteria: ACMG Guidelines, 2015. Collection method: clinical testing. Allele origin: germline. Observed: 30 variant alleles.

ARUP Laboratories, Molecular Genetics and Genomics, ARUP Laboratories
Classification: Benign. Last evaluated: 2020-12-26. Review status: criteria provided, single submitter. Criteria: ARUP Molecular Germline Variant Investigation Process 2021. Collection method: clinical testing. Allele origin: germline.

Illumina Laboratory Services, Illumina
Classification: Likely benign for Qualitative or quantitative defects of delta-sarcoglycan. Last evaluated: 2018-01-13. Review status: criteria provided, single submitter. Criteria: ICSL Variant Classification Criteria 13 December 2019. Collection method: clinical testing. Allele origin: germline.
Comment: This variant was observed in the ICSL laboratory as part of a predisposition screen in an ostensibly healthy population. It had not been previously curated by ICSL or reported in the Human Gene Mutation Database (HGMD: prior to June 1st, 2018), and was therefore a candidate for classification through an automated scoring system. Utilizing variant allele frequency, disease prevalence and penetrance estimates, and inheritance mode, an automated score was calculated to assess if this variant is too frequent to cause the disease. Based on the score and internal cut-off values, a variant classified as likely benign is not then subjected to further curation. The score for this variant resulted in a classification of likely benign for this disease.

CHEO Genetics Diagnostic Laboratory, Children's Hospital of Eastern Ontario
Classification: Benign for Cardiomyopathy. Last evaluated: 2016-05-01. Review status: criteria provided, single submitter. Criteria: ACMG Guidelines, 2015. Collection method: clinical testing. Allele origin: germline. Study: Canadian Open Genetics Repository.

Eurofins Ntd Llc (ga)
Classification: Benign. Last evaluated: 2015-08-14. Review status: criteria provided, single submitter. Criteria: EGL Classification Definitions 2015. Collection method: clinical testing. Allele origin: germline. Observed: 2 variant alleles, 2 heterozygotes.

GeneDx
Classification: Benign. Last evaluated: 2015-03-03. Review status: criteria provided, single submitter. Criteria: GeneDx Variant Classification Process June 2021. Collection method: clinical testing. Allele origin: germline. Affected: yes.

Laboratory for Molecular Medicine, Mass General Brigham Personalized Medicine
Classification: Benign. Last evaluated: 2009-05-28. Review status: criteria provided, single submitter. Criteria: LMM Criteria. Collection method: clinical testing. Allele origin: germline. Observed: 32 variant alleles.

Breakthrough Genomics
Classification: Likely benign. Review status: criteria provided, single submitter. Criteria: ACMG Guidelines, 2015. Collection method: not provided. Allele origin: germline. Inheritance: Autosomal recessive inheritance. Affected: yes.

PreventionGenetics, part of Exact Sciences
Classification: Benign. Review status: criteria provided, single submitter. Criteria: ACMG Guidelines, 2015. Collection method: clinical testing. Allele origin: germline.

Women's Health and Genetics/Laboratory Corporation of America, LabCorp
Classification: Benign for Cardiomyopathy. Last evaluated: 2010-12-22. Review status: no assertion criteria provided. Collection method: clinical testing. Allele origin: germline. Not counted in ClinVar's aggregate classification.

Clinical Genetics DNA and cytogenetics Diagnostics Lab, Erasmus MC, Erasmus Medical Center
Classification: Benign. Review status: no assertion criteria provided. Collection method: clinical testing. Allele origin: germline. Affected: yes. Study: VKGL Data-share Consensus. Not counted in ClinVar's aggregate classification.

Clinical Genetics, Academic Medical Center
Classification: Benign. Review status: no assertion criteria provided. Collection method: clinical testing. Allele origin: germline. Affected: yes. Study: VKGL Data-share Consensus. Not counted in ClinVar's aggregate classification.

Diagnostic Laboratory, Department of Genetics, University Medical Center Groningen
Classification: Likely benign. Review status: no assertion criteria provided. Collection method: clinical testing. Allele origin: germline. Affected: yes. Study: VKGL Data-share Consensus. Not counted in ClinVar's aggregate classification.

Genetic Services Laboratory, University of Chicago
Classification: Likely benign for AllHighlyPenetrant. Review status: no assertion criteria provided. Collection method: clinical testing. Allele origin: germline. Inheritance: Autosomal recessive inheritance. Not counted in ClinVar's aggregate classification.
Comment: Likely benign based on allele frequency in 1000 Genomes Project or ESP global frequency and its presence in a patient with a rare or unrelated disease phenotype. NOT Sanger confirmed.

Genome Diagnostics Laboratory, University Medical Center Utrecht
Classification: Benign. Review status: no assertion criteria provided. Collection method: clinical testing. Allele origin: germline. Affected: yes. Study: VKGL Data-share Consensus. Not counted in ClinVar's aggregate classification.

NM_000337.6(SGCD):c.294+8T>C

Gene: SGCD (sarcoglycan delta; plus strand). Cytogenetic location: 5q33.3.
Variant type: single nucleotide variant.
Coding change: c.294+8T>C on transcript NM_000337.6 (MANE Select); 8 bases into the intron after coding-DNA position 294, T replaced by C.
Molecular consequence: intron variant.
Genome position (GRCh38, 1-based): chr5:156,508,710, T>C. VCF-style: chr5-156508710-T-C. GRCh37 (hg19) VCF-style: chr5-155935720-T-C.
Other names: p.?; c.291+8T>C (NM_001128209.2); c.294+8T>C (NM_172244.3).
Identifiers: ClinVar variation 36772 (VCV000036772.76), dbSNP rs11748588, ClinGen allele CA142629.